The following is an entry in ClinVar:

ClinVar aggregate classification (germline): Uncertain significance (1 of 4 stars; one submission).

Submission:

Ambry Genetics
Classification: Uncertain significance. Last evaluated: 2025-11-24. Review status: criteria provided, single submitter. Criteria: Ambry Variant Classification Scheme 2023. Collection method: clinical testing. Allele origin: germline.
Comment: The p.N573S variant (also known as c.1718A>G), located in coding exon 12 of the RINT1 gene, results from an A to G substitution at nucleotide position 1718. The asparagine at codon 573 is replaced by serine, an amino acid with highly similar properties. This amino acid position is conserved. In addition, this alteration is predicted to be tolerated by in silico analysis. Based on the available evidence, the clinical significance of this variant remains unclear.

NM_021930.6(RINT1):c.1718A>G (p.Asn573Ser)

Gene: RINT1 (RAD50 interactor 1; plus strand). Cytogenetic location: 7q22.3.
Variant type: single nucleotide variant.
Coding change: c.1718A>G on transcript NM_021930.6 (MANE Select); coding-DNA position 1718, A replaced by G.
Protein change: p.Asn573Ser; replaces asparagine 573 with serine.
Molecular consequence: missense variant. On other transcripts: non-coding transcript variant (1).
Genome position (GRCh38, 1-based): chr7:105,563,779, A>G. VCF-style: chr7-105563779-A-G. GRCh37 (hg19) VCF-style: chr7-105204226-A-G.
Other names: c.1484A>G, p.Asn495Ser (NM_001346599.2); c.695A>G, p.Asn232Ser (NM_001346600.2, NM_001346603.2); c.794A>G, p.Asn265Ser (NM_001346601.2); short protein forms N495S, N573S, N232S, N265S.
Identifiers: ClinVar variation 4578228 (VCV004578228.1).